The following is an entry in ClinVar:

ClinVar aggregate classification (germline): Conflicting classifications of pathogenicity. Review status: criteria provided, conflicting classifications (1 of 4 stars). 16 submissions from 16 submitters: Uncertain significance (2); Benign (4); Likely benign (9). 1 of the submissions does not count toward it. Last evaluated 2026-02-04.

Conditions:
Familial melanoma. Also called: Hereditary melanoma; Hereditary cutaneous melanoma. Identifiers: Orphanet 618, MedGen C1512419, MONDO:0018961.
Melanoma-pancreatic cancer syndrome. Identifiers: Orphanet 404560, MedGen C1838547, MONDO:0011713, OMIM 606719. Disease mechanism: loss of function.
Hereditary cancer-predisposing syndrome. Also called: Tumor predisposition; Hereditary neoplastic syndrome; Neoplastic Syndromes, Hereditary; Hereditary Cancer Syndrome. Identifiers: Orphanet 140162, MedGen C0027672, MeSH D009386, MONDO:0015356.

Allele frequency attached by ClinVar (database versions not stated): ESP Exome Variant Server 0.00115; TOPMed 0.00128; 1000 Genomes Project 0.00220; 1000 Genomes Project 30x 0.00344.
gnomAD v4.1: 359 of 1,610,194 alleles (0.022%); highest among the groups gnomAD compares: African/African-American, 0.46%; 1 homozygote.

Submissions (16):

Labcorp Genetics (formerly Invitae), Labcorp
Classification: Benign for Familial melanoma. Last evaluated: 2026-02-04. Review status: criteria provided, single submitter. Criteria: Invitae Variant Classification Sherloc (09022015). Collection method: clinical testing. Allele origin: germline.

Mayo Clinic Laboratories, Mayo Clinic
Classification: Uncertain significance. Last evaluated: 2025-06-23. Review status: criteria provided, single submitter. Criteria: ACMG Guidelines, 2015. Collection method: clinical testing. Allele origin: germline. Observed: 1 variant allele.
Comment: BS1

Center for Genomic Medicine, Rigshospitalet, Copenhagen University Hospital
Classification: Uncertain significance. Last evaluated: 2025-03-04. Review status: criteria provided, single submitter. Criteria: ACMG Guidelines, 2015. Collection method: clinical testing. Allele origin: germline.

Quest Diagnostics Nichols Institute San Juan Capistrano
Classification: Likely benign. Last evaluated: 2024-12-23. Review status: criteria provided, single submitter. Criteria: Quest Diagnostics criteria. Collection method: clinical testing. Allele origin: unknown.

Color Diagnostics, LLC DBA Color Health
Classification: Likely benign for Hereditary cancer-predisposing syndrome. Last evaluated: 2024-09-19. Review status: criteria provided, single submitter. Criteria: ACMG Guidelines, 2015. Collection method: clinical testing. Allele origin: germline.

Blueprint Genetics
Classification: Likely benign. Last evaluated: 2024-07-05. Review status: criteria provided, single submitter. Criteria: ACMG Guidelines, 2015. Collection method: clinical testing. Allele origin: germline.

Department of Pathology and Laboratory Medicine, Sinai Health System
Classification: Likely benign for Melanoma-pancreatic cancer syndrome. Last evaluated: 2023-10-23. Review status: criteria provided, single submitter. Criteria: ACMG Guidelines, 2015. Collection method: clinical testing. Allele origin: germline. Affected: yes.

Myriad Genetics, Inc.
Classification: Likely benign for Melanoma-pancreatic cancer syndrome. Last evaluated: 2023-09-14. Review status: criteria provided, single submitter. Criteria: Myriad Autosomal Dominant, Autosomal Recessive and X-Linked Classification Criteria (2023). Collection method: clinical testing. Allele origin: unknown.
Comment: This variant is considered likely benign. This variant has been observed at a population frequency that is significantly greater than expected given the associated disease prevalence and penetrance.

ARUP Laboratories, Molecular Genetics and Genomics, ARUP Laboratories
Classification: Likely benign. Last evaluated: 2023-08-17. Review status: criteria provided, single submitter. Criteria: ARUP Molecular Germline Variant Investigation Process 2024. Collection method: clinical testing. Allele origin: germline.

Women's Health and Genetics/Laboratory Corporation of America, LabCorp
Classification: Benign. Last evaluated: 2021-09-04. Review status: criteria provided, single submitter. Criteria: LabCorp Variant Classification Summary - May 2015. Collection method: clinical testing. Allele origin: germline.
Comment: Variant summary: CDKN2A c.369T>A (p.His123Gln) results in a non-conservative amino acid change located in the Ankyrin repeat-containing domain (IPR020683) of the encoded protein sequence. Four of five in-silico tools predict a damaging effect of the variant on protein function. The variant allele was found at a frequency of 0.0003 in 243602 control chromosomes, predominantly at a frequency of 0.0041 within the African or African-American subpopulation in the gnomAD database. The observed variant frequency within African or African-American control individuals in the gnomAD database is approximately 14 fold of the estimated maximal expected allele frequency for a pathogenic variant in CDKN2A causing Cutaneous Malignant Melanoma phenotype (0.0003), strongly suggesting that the variant is a benign polymorphism found primarily in populations of African or African-American origin. c.369T>A has been reported in the literature in individuals affected with Noonan syndrome/glioneuronal tumors, rectal cancer, and one individual who met health insurance criteria for BRCA1/2 or Lynch syndrome gene testing without a specific phenotype being provided (example, Lin_2016, DeRycke_2017, Yorczyk_2015). These report(s) do not provide unequivocal conclusions about association of the variant with Cutaneous Malignant Melanoma. Co-occurrences with other pathogenic variant(s) have been observed at our laboratory and in the literature (our laboratory, BRCA1 c.2679_2682delGAAA, p.Lys893fsX106; Lin_2016, PTPN11 c.923A>G, p.Asn308Ser), providing supporting evidence for a benign role. At least one publication reports experimental evidence evaluating an impact on protein function. These results showed no damaging effect of this variant as evidenced by similar cell proliferation and viability levels as wild-type CDKN2A (Kwong-Shing Ng_2018). Multiple clinical diagnostic laboratories have submitted clinical-significance assessments for this variant to ClinVar after 2014 without evidence for independent evaluation and a majority consensus leaning towards a likely benign/benign outcome. Based on the evidence outlined above, the variant was classified as benign.

Sema4
Classification: Benign for Hereditary cancer-predisposing syndrome. Last evaluated: 2021-01-08. Review status: criteria provided, single submitter. Criteria: Sema4 Curation Guidelines. Collection method: curation. Allele origin: germline.

GeneDx
Classification: Likely benign. Last evaluated: 2020-09-21. Review status: criteria provided, single submitter. Criteria: GeneDx Variant Classification Process June 2021. Collection method: clinical testing. Allele origin: germline. Affected: yes.
Comment: In silico analysis, which includes protein predictors and evolutionary conservation, supports a deleterious effect; This variant is associated with the following publications: (PMID: 27978560, 25318351, 22885699, 27626068, 18573309, 26601054, 16508961, 26366474, 26342236, 28944238, 26206375, 25186627, 9660926, 9823374, 7882348)

Mendelics
Classification: Likely benign for Melanoma-pancreatic cancer syndrome. Last evaluated: 2019-05-28. Review status: criteria provided, single submitter. Criteria: Mendelics Assertion Criteria 2017. Collection method: clinical testing. Allele origin: unknown.

PreventionGenetics, part of Exact Sciences
Classification: Likely benign. Last evaluated: 2017-03-20. Review status: criteria provided, single submitter. Criteria: ACMG Guidelines, 2015. Collection method: clinical testing. Allele origin: germline.

Ambry Genetics
Classification: Benign for Hereditary cancer-predisposing syndrome. Last evaluated: 2014-09-29. Review status: criteria provided, single submitter. Criteria: Ambry Variant Classification Scheme 2023. Collection method: clinical testing. Allele origin: germline.

Counsyl
Classification: Uncertain significance for Melanoma-pancreatic cancer syndrome. Last evaluated: 2016-10-19. Review status: no assertion criteria provided. Collection method: clinical testing. Allele origin: unknown. Not counted in ClinVar's aggregate classification.

Literature cited by the submitters: PubMed 18573309 (cited by 4 submitters); PubMed 27978560 (cited by 4 submitters); PubMed 29533785 (cited by 4 submitters); PubMed 34646395 (cited by Mayo Clinic Laboratories, Mayo Clinic and Quest Diagnostics Nichols Institute San Juan Capistrano); PubMed 35264596 (cited by Mayo Clinic Laboratories, Mayo Clinic and Quest Diagnostics Nichols Institute San Juan Capistrano); PubMed 9660926 (cited by 4 submitters); PubMed 25186627 (cited by 3 submitters); PubMed 28944238 (cited by 3 submitters); PubMed 28765326 (cited by Quest Diagnostics Nichols Institute San Juan Capistrano and Women's Health and Genetics/Laboratory Corporation of America, LabCorp); PubMed 9823374 (cited by Quest Diagnostics Nichols Institute San Juan Capistrano); PubMed 25318351 (cited by 4 submitters); PubMed 26601054 (cited by Quest Diagnostics Nichols Institute San Juan Capistrano and Women's Health and Genetics/Laboratory Corporation of America, LabCorp); PubMed 36315513 (cited by Quest Diagnostics Nichols Institute San Juan Capistrano); PubMed 9212218 (cited by Women's Health and Genetics/Laboratory Corporation of America, LabCorp); PubMed 7882348 (cited by Women's Health and Genetics/Laboratory Corporation of America, LabCorp); PubMed 27626068 (cited by Women's Health and Genetics/Laboratory Corporation of America, LabCorp); PubMed 27756164 (cited by Women's Health and Genetics/Laboratory Corporation of America, LabCorp); PubMed 27960642 (cited by Women's Health and Genetics/Laboratory Corporation of America, LabCorp); PubMed 9166859 (cited by Women's Health and Genetics/Laboratory Corporation of America, LabCorp); PubMed 16818274 (cited by Women's Health and Genetics/Laboratory Corporation of America, LabCorp); PubMed 18519632 (cited by Women's Health and Genetics/Laboratory Corporation of America, LabCorp); PubMed 7718873 (cited by Women's Health and Genetics/Laboratory Corporation of America, LabCorp); PubMed 26206375 (cited by Counsyl).

NM_000077.5(CDKN2A):c.369T>A (p.His123Gln)

Gene: CDKN2A (cyclin dependent kinase inhibitor 2A; minus strand). Cytogenetic location: 9p21.3.
Variant type: single nucleotide variant.
Coding change: c.369T>A on transcript NM_000077.5; coding-DNA position 369, T replaced by A.
Protein change: p.His123Gln; replaces histidine 123 with glutamine.
Molecular consequence: missense variant (on NM_000077.6). On other transcripts: 3 prime UTR variant (2).
Genome position (GRCh38, 1-based): chr9:21,970,990, A>T on the plus strand (T>A on the coding strand, the complement: CDKN2A is on the minus strand). VCF-style: chr9-21970990-A-T. GRCh37 (hg19) VCF-style: chr9-21970989-A-T.
Other names: p.H123Q:CAT>CAA; c.369T>A, p.His123Gln (NM_000077.6, NM_001195132.2); c.216T>A, p.His72Gln (NM_001363763.2); c.*13T>A (NM_058195.4); c.*292T>A (NM_058197.5); short protein forms H123Q, H72Q.
Identifiers: ClinVar variation 127526 (VCV000127526.41), dbSNP rs6413463, ClinGen allele CA287173.